The following is an entry in ClinVar:

ClinVar aggregate classification (germline): Uncertain significance (1 of 4 stars; one submission).

Conditions:
Nephronophthisis. Also called: Juvenile Nephronophthisis. Identifiers: Orphanet 655, MedGen C0687120, MONDO:0019005, HP:0000090.

Submission:

Labcorp Genetics (formerly Invitae), Labcorp
Classification: Uncertain significance for Nephronophthisis. Last evaluated: 2022-03-14. Review status: criteria provided, single submitter. Criteria: Invitae Variant Classification Sherloc (09022015). Collection method: clinical testing. Allele origin: germline.
Comment: This sequence change replaces glutamic acid, which is acidic and polar, with aspartic acid, which is acidic and polar, at codon 1205 of the NPHP4 protein (p.Glu1205Asp). This variant is not present in population databases (gnomAD no frequency). This variant has not been reported in the literature in individuals affected with NPHP4-related conditions. Algorithms developed to predict the effect of missense changes on protein structure and function (SIFT, PolyPhen-2, Align-GVGD) all suggest that this variant is likely to be tolerated. In summary, the available evidence is currently insufficient to determine the role of this variant in disease. Therefore, it has been classified as a Variant of Uncertain Significance.

NM_015102.5(NPHP4):c.3615G>C (p.Glu1205Asp)

Gene: NPHP4 (nephrocystin 4; minus strand). Cytogenetic location: 1p36.31.
Variant type: single nucleotide variant.
Coding change: c.3615G>C on transcript NM_015102.5 (MANE Select); coding-DNA position 3615, G replaced by C.
Protein change: p.Glu1205Asp; replaces glutamic acid 1205 with aspartic acid.
Molecular consequence: missense variant. On other transcripts: non-coding transcript variant (1).
Genome position (GRCh38, 1-based): chr1:5,866,402, C>G on the plus strand (G>C on the coding strand, the complement: NPHP4 is on the minus strand). VCF-style: chr1-5866402-C-G. GRCh37 (hg19) VCF-style: chr1-5926462-C-G.
Other names: c.2076G>C, p.Glu692Asp (NM_001291593.2); c.2079G>C, p.Glu693Asp (NM_001291594.2); short protein forms E692D, E693D, E1205D.
Identifiers: ClinVar variation 2106797 (VCV002106797.4), dbSNP rs1641231079, ClinGen allele CA338050976.